The following is an entry in ClinVar:

ClinVar aggregate classification (germline): Conflicting classifications of pathogenicity. Review status: criteria provided, conflicting classifications (1 of 4 stars). 2 submissions from 2 submitters: Uncertain significance (1); Likely benign (1). Last evaluated 2026-02-05.

Conditions:
Hereditary cancer-predisposing syndrome. Also called: Hereditary Cancer Syndrome; Tumor predisposition; Neoplastic Syndromes, Hereditary; Hereditary neoplastic syndrome. Identifiers: Orphanet 140162, MedGen C0027672, MeSH D009386, MONDO:0015356.
Microcephaly, normal intelligence and immunodeficiency (NBS). Also called: IMMUNODEFICIENCY, MICROCEPHALY, AND CHROMOSOMAL INSTABILITY; SEEMANOVA SYNDROME II; Nijmegen breakage syndrome; Microcephaly with normal intelligence immunodeficiency and lymphoreticular malignancies; Nonsyndromal microcephaly autosomal recessive with normal intelligence; Seemanova syndrome 2. Identifiers: Orphanet 647, MedGen C0398791, MONDO:0009623, OMIM 251260.

Submissions (2):

Ambry Genetics
Classification: Uncertain significance for Hereditary cancer-predisposing syndrome. Last evaluated: 2026-02-05. Review status: criteria provided, single submitter. Criteria: Ambry Variant Classification Scheme 2023. Collection method: clinical testing. Allele origin: germline.
Comment: The c.585-5T>A intronic variant results from a T to A substitution 5 nucleotides upstream from coding exon 6 in the NBN gene. This nucleotide position is well conserved in available vertebrate species. In silico splice site analysis predicts that this alteration will not have any significant effect on splicing. Based on the available evidence, the clinical significance of this variant remains unclear.

Labcorp Genetics (formerly Invitae), Labcorp
Classification: Likely benign for Microcephaly, normal intelligence and immunodeficiency. Last evaluated: 2023-02-22. Review status: criteria provided, single submitter. Criteria: Invitae Variant Classification Sherloc (09022015). Collection method: clinical testing. Allele origin: germline.

NM_002485.5(NBN):c.585-5T>A

Gene: NBN (nibrin; minus strand). Cytogenetic location: 8q21.3.
Variant type: single nucleotide variant.
Coding change: c.585-5T>A on transcript NM_002485.5 (MANE Select); 5 bases into the intron before coding-DNA position 585, T replaced by A.
Molecular consequence: intron variant.
Genome position (GRCh38, 1-based): chr8:89,971,295, A>T on the plus strand (T>A on the coding strand, the complement: NBN is on the minus strand). VCF-style: chr8-89971295-A-T. GRCh37 (hg19) VCF-style: chr8-90983523-A-T.
Other names: c.339-5T>A (NM_001024688.3).
Identifiers: ClinVar variation 826009 (VCV000826009.8), dbSNP rs1586088968, ClinGen allele CA915945794.